The following is an entry in ClinVar:

ClinVar aggregate classification (germline): Uncertain significance (1 of 4 stars; one submission).

gnomAD v4.1: 1 of 1,613,916 alleles (0.000062%); highest among the groups gnomAD compares: African/African-American, 0.0013%; no homozygotes.

Submission:

Ambry Genetics
Classification: Uncertain significance. Last evaluated: 2024-08-20. Review status: criteria provided, single submitter. Criteria: Ambry Variant Classification Scheme 2023. Collection method: clinical testing. Allele origin: germline.
Comment: The p.C554R variant (also known as c.1660T>C), located in coding exon 17 of the KIF1B gene, results from a T to C substitution at nucleotide position 1660. The cysteine at codon 554 is replaced by arginine, an amino acid with highly dissimilar properties. This amino acid position is conserved. In addition, this alteration is predicted to be deleterious by in silico analysis. Based on the available evidence, the clinical significance of this variant remains unclear.

NM_001365951.3(KIF1B):c.1798T>C (p.Cys600Arg)

Gene: KIF1B (kinesin family member 1B; plus strand). Cytogenetic location: 1p36.22.
Variant type: single nucleotide variant.
Coding change: c.1798T>C on transcript NM_001365951.3 (MANE Select); coding-DNA position 1798, T replaced by C.
Protein change: p.Cys600Arg; replaces cysteine 600 with arginine.
Molecular consequence: missense variant.
Genome position (GRCh38, 1-based): chr1:10,296,602, T>C. VCF-style: chr1-10296602-T-C. GRCh37 (hg19) VCF-style: chr1-10356660-T-C.
Other names: c.1798T>C, p.Cys600Arg (NM_001365952.1); c.1660T>C, p.Cys554Arg (NM_001365953.1, NM_015074.3, NM_183416.4); short protein forms C554R, C600R.
Identifiers: ClinVar variation 3533886 (VCV003533886.1).